The following is an entry in ClinVar:

ClinVar aggregate classification (germline): Pathogenic (1 of 4 stars; one submission).

Submission:

CeGaT Center for Human Genetics Tuebingen
Classification: Pathogenic. Last evaluated: 2023-03-01. Review status: criteria provided, single submitter. Criteria: CeGaT Center For Human Genetics Tuebingen Variant Classification Criteria Version 2. Collection method: clinical testing. Allele origin: germline. Affected: yes. Observed: 1 variant allele.
Comment: KMT2C: PVS1, PM2

NM_170606.3(KMT2C):c.4476dup (p.Ser1493fs)

Gene: KMT2C (lysine methyltransferase 2C; minus strand). Cytogenetic location: 7q36.1.
Variant type: Duplication.
Coding change: c.4476dup on transcript NM_170606.3 (MANE Select); coding-DNA position 4476, one base duplicated (C; older notation c.4476dupC).
Protein change: p.Ser1493fs; shifts the reading frame from serine 1493.
Molecular consequence: frameshift variant.
Genome position (GRCh38, 1-based): chr7:152,194,471, G duplicated on the plus strand (C on the coding strand, the reverse complement: KMT2C is on the minus strand). VCF-style (leftmost placement, unchanged base first): chr7-152194470-T-TG. GRCh37 (hg19) VCF-style: chr7-151891555-T-TG.
Other names: short protein forms S1493fs.
Identifiers: ClinVar variation 2499063 (VCV002499063.28), dbSNP rs2487860536, ClinGen allele CA2580077718.
Genomic context (GRCh38, chr7:152,194,470, plus strand): 5'-GAAAGCCTAGATGTAGGGCAAATATTTTACCATCTGTGACCATTTTGTCTAGTTCAGGAC[T>TG]GAGGATCCCATCTAGCTGTTCTTCACTTAATGGTCGTGAACTCTGATTGACATTTGGCTG-3'